The following is an entry in ClinVar:

ClinVar aggregate classification (germline): Uncertain significance (1 of 4 stars; one submission).

Conditions:
PKD1-related disorder. Also called: PKD1-related condition.

Submission:

PreventionGenetics, part of Exact Sciences
Classification: Uncertain significance for PKD1-related condition. Last evaluated: 2026-09-01. Review status: criteria provided, single submitter. Criteria: ACMG Guidelines, 2015. Collection method: clinical testing. Allele origin: germline.
Comment: The PKD1 c.8179G>A variant is predicted to result in the amino acid substitution p.Ala2727Thr. To our knowledge, this variant has not been reported in the literature or in a large population database (gnomAD), indicating this variant is rare. An alternative substitution affecting the same amino acid (p.Ala2727Pro) has been reported in one family with polycystic kidney disease (Table S3, Mantovani et al. 2020. PubMed ID: 32457805). At this time, the clinical significance of this variant is uncertain due to the absence of conclusive functional and genetic evidence.

NM_001009944.3(PKD1):c.8179G>A (p.Ala2727Thr)

Gene: PKD1 (polycystin 1, transient receptor potential channel interacting; minus strand). Cytogenetic location: 16p13.3.
Variant type: single nucleotide variant.
Coding change: c.8179G>A on transcript NM_001009944.3 (MANE Select); coding-DNA position 8179, G replaced by A.
Protein change: p.Ala2727Thr; replaces alanine 2727 with threonine.
Molecular consequence: missense variant.
Genome position (GRCh38, 1-based): chr16:2,103,878, C>T on the plus strand (G>A on the coding strand, the complement: PKD1 is on the minus strand). VCF-style: chr16-2103878-C-T. GRCh37 (hg19) VCF-style: chr16-2153879-C-T.
Other names: c.8179G>A, p.Ala2727Thr (NM_000296.4); short protein forms A2727T.
Identifiers: ClinVar variation 4985141 (VCV004985141.1).
Genomic context (GRCh38, chr16:2,103,878, plus strand): 5'-TCCGAGATGGTGACTCGGCTCCCAGCTCTGAGGGCTGTGGTGCCCGCACGTCCGAGCTGG[C>T]CAGGTGGATGAGGTCTCCTGCAGACATGCGTGAGGTCAGTGCAGAGACAGGGAGGTAGAG-3'
Protein context (NP_001009944.3, residues 2717-2737): LNITGDLIHL[Ala2727Thr]SSDVRAPQPS